The following is an entry in ClinVar:

ClinVar aggregate classification (germline): Uncertain significance (1 of 4 stars; one submission).

Submission:

GeneDx
Classification: Uncertain significance. Last evaluated: 2025-03-13. Review status: criteria provided, single submitter. Criteria: GeneDx Variant Classification Process June 2021. Collection method: clinical testing. Allele origin: germline. Affected: yes.
Comment: Not observed at significant frequency in large population cohorts (gnomAD); In silico analysis supports that this missense variant has a deleterious effect on protein structure/function; Not located in the triple helical region, where the majority of pathogenic missense variants occur (HGMD; PMID: 25240749); Has not been previously published as pathogenic or benign to our knowledge; This variant is associated with the following publications: (PMID: 25240749)

NM_001854.4(COL11A1):c.4915T>C (p.Cys1639Arg)

Gene: COL11A1 (collagen type XI alpha 1 chain; minus strand). Cytogenetic location: 1p21.1.
Variant type: single nucleotide variant.
Coding change: c.4915T>C on transcript NM_001854.4 (MANE Select); coding-DNA position 4915, T replaced by C.
Protein change: p.Cys1639Arg; replaces cysteine 1639 with arginine.
Molecular consequence: missense variant. On other transcripts: non-coding transcript variant (1).
Genome position (GRCh38, 1-based): chr1:102,883,255, A>G on the plus strand (T>C on the coding strand, the complement: COL11A1 is on the minus strand). VCF-style: chr1-102883255-A-G. GRCh37 (hg19) VCF-style: chr1-103348811-A-G.
Other names: c.4798T>C, p.Cys1600Arg (NM_001190709.2); c.4951T>C, p.Cys1651Arg (NM_080629.3); c.4567T>C, p.Cys1523Arg (NM_080630.4); short protein forms C1523R, C1600R, C1639R, C1651R.
Identifiers: ClinVar variation 4083294 (VCV004083294.1).